The following is an entry in ClinVar:

NM_001267550.2(TTN):c.4739_4740insTT (p.Gly1581fs)

Genes: TTN (titin; minus strand), LOC101927055 (uncharacterized LOC101927055; plus strand). Cytogenetic location: 2q31.2.
Variant type: Insertion.
Coding change: c.4739_4740insTT on transcript NM_001267550.2 (MANE Select); coding-DNA positions 4739 to 4740, TT inserted.
Protein change: p.Gly1581fs; shifts the reading frame from glycine 1581.
Molecular consequence: frameshift variant. On other transcripts: non-coding transcript variant (1).
Genome position: GRCh38 VCF-style: chr2-178777223-C-CAA. GRCh37 (hg19) VCF-style: chr2-179641950-C-CAA.
Other names: c.4739_4740insTT, p.Gly1581fs (NM_001256850.1, NM_133378.4, NM_133379.5); c.4601_4602insTT, p.Gly1535fs (NM_003319.4, NM_133432.3, NM_133437.4); short protein forms G1581fs, G1535fs.
Identifiers: ClinVar variation 4785081 (VCV004785081.1).

ClinVar aggregate classification (germline): Likely pathogenic (1 of 4 stars; one submission).

Conditions:
Autosomal recessive limb-girdle muscular dystrophy type 2J (LGMDR10). Also called: Limb-girdle muscular dystrophy, type 2J; MUSCULAR DYSTROPHY, LIMB-GIRDLE, AUTOSOMAL RECESSIVE 10. Identifiers: Orphanet 140922, MedGen C1837342, MONDO:0012127, OMIM 608807.
Dilated cardiomyopathy 1G (CMD1G). Identifiers: Orphanet 154, MedGen C1858763, MONDO:0011400, OMIM 604145.

Submission:

Labcorp Genetics (formerly Invitae), Labcorp
Classification: Likely pathogenic for Dilated cardiomyopathy 1G; Autosomal recessive limb-girdle muscular dystrophy type 2J. Last evaluated: 2025-05-22. Review status: criteria provided, single submitter. Criteria: Invitae Variant Classification Sherloc (09022015). Collection method: clinical testing. Allele origin: germline.
Comment: This sequence change creates a premature translational stop signal (p.Gly1581Trpfs*11) in the TTN gene. While this is not anticipated to result in nonsense mediated decay, it is expected to create a truncated TTN protein. This variant is not present in population databases (gnomAD no frequency). This variant has not been reported in the literature in individuals affected with TTN-related conditions. This variant is located in the Z band of TTN (PMID: 25589632). Truncating variants in this region have been reported in individuals affected with autosomal recessive centronuclear myopathy (PMID: 33449170, internal data). Truncating variants in this region have also been identified in individuals affected with autosomal dominant dilated cardiomyopathy and/or cardio-related conditions (PMID: 27869827, 32964742, internal data). In summary, the currently available evidence indicates that the variant is pathogenic, but additional data are needed to prove that conclusively. Therefore, this variant has been classified as Likely Pathogenic.

Literature cited by the submitters: PubMed 25589632; PubMed 33449170; PubMed 27869827; PubMed 32964742.